The following is an entry in ClinVar:

ClinVar aggregate classification (germline): Uncertain significance. Review status: criteria provided, multiple submitters, no conflicts (2 of 4 stars). 2 submissions from 2 submitters: Uncertain significance (2). Last evaluated 2025-07-28.

Conditions:
Colorectal cancer, hereditary nonpolyposis, type 7. Identifiers: Orphanet 144, MedGen C1858380, MONDO:0013725, OMIM 614385.

Allele frequency attached by ClinVar (database versions not stated): gnomAD exomes below 0.00001; gnomAD 0.00001; TOPMed 0.00002.
gnomAD v4.1: 2 of 1,614,068 alleles (0.00012%); highest among the groups gnomAD compares: African/African-American, 0.0027%; no homozygotes.

Submissions (2):

Ambry Genetics
Classification: Uncertain significance. Last evaluated: 2025-07-28. Review status: criteria provided, single submitter. Criteria: Ambry Variant Classification Scheme 2023. Collection method: clinical testing. Allele origin: germline.
Comment: The p.I278T variant (also known as c.833T>C), located in coding exon 1 of the MLH3 gene, results from a T to C substitution at nucleotide position 833. The isoleucine at codon 278 is replaced by threonine, an amino acid with similar properties. This amino acid position is conserved. In addition, the in silico prediction for this alteration is inconclusive. Since supporting evidence is limited at this time, the clinical significance of this alteration remains unclear.

Labcorp Genetics (formerly Invitae), Labcorp
Classification: Uncertain significance for Colorectal cancer, hereditary nonpolyposis, type 7. Last evaluated: 2022-08-12. Review status: criteria provided, single submitter. Criteria: Invitae Variant Classification Sherloc (09022015). Collection method: clinical testing. Allele origin: germline.
Comment: This sequence change replaces isoleucine, which is neutral and non-polar, with threonine, which is neutral and polar, at codon 278 of the MLH3 protein (p.Ile278Thr). This variant is not present in population databases (gnomAD no frequency). This variant has not been reported in the literature in individuals affected with MLH3-related conditions. Algorithms developed to predict the effect of missense changes on protein structure and function are either unavailable or do not agree on the potential impact of this missense change (SIFT: "Deleterious"; PolyPhen-2: "Possibly Damaging"; Align-GVGD: "Class C0"). In summary, the available evidence is currently insufficient to determine the role of this variant in disease. Therefore, it has been classified as a Variant of Uncertain Significance.

NM_001040108.2(MLH3):c.833T>C (p.Ile278Thr)

Gene: MLH3 (mutL homolog 3; minus strand). Cytogenetic location: 14q24.3.
Variant type: single nucleotide variant.
Coding change: c.833T>C on transcript NM_001040108.2 (MANE Select); coding-DNA position 833, T replaced by C.
Protein change: p.Ile278Thr; replaces isoleucine 278 with threonine.
Molecular consequence: missense variant.
Genome position (GRCh38, 1-based): chr14:75,048,823, A>G on the plus strand (T>C on the coding strand, the complement: MLH3 is on the minus strand). VCF-style: chr14-75048823-A-G. GRCh37 (hg19) VCF-style: chr14-75515526-A-G.
Other names: c.833T>C, p.Ile278Thr (NM_014381.3); short protein forms I278T.
Identifiers: ClinVar variation 1762994 (VCV001762994.8), dbSNP rs1440358450, ClinGen allele CA390448940.
Genomic context (GRCh38, chr14:75,048,823, plus strand): 5'-GACCGGTGCCGAAGACTTGAATTCATTTGCCTACTGGTGGGACCATTCTTTGGCTTGCAT[A>G]TAATACTTTCTTTCCTTAATAAAAAGTCAATGAGTTTATGTAGCTTTGTCCTTAAAACTA-3'
Protein context (NP_001035197.1, residues 268-288): IDFLLRKESI[Ile278Thr]CKPKNGPTSR